The following is an entry in ClinVar:

NM_005733.3(KIF20A):c.1253A>G (p.Gln418Arg)

Gene: KIF20A (kinesin family member 20A; plus strand). Cytogenetic location: 5q31.2.
Variant type: single nucleotide variant.
Coding change: c.1253A>G on transcript NM_005733.3 (MANE Select); coding-DNA position 1253, A replaced by G.
Protein change: p.Gln418Arg; replaces glutamine 418 with arginine.
Molecular consequence: missense variant.
Genome position (GRCh38, 1-based): chr5:138,184,006, A>G. VCF-style: chr5-138184006-A-G. GRCh37 (hg19) VCF-style: chr5-137519695-A-G.
Other names: short protein forms Q418R.
Identifiers: ClinVar variation 4721627 (VCV004721627.1).

ClinVar aggregate classification (germline): Uncertain significance (1 of 4 stars; one submission).

gnomAD v4.1: 1 of 1,614,198 alleles (0.000062%); highest among the groups gnomAD compares: Non-Finnish European, 0.000085%; no homozygotes.

Submission:

Labcorp Genetics (formerly Invitae), Labcorp
Classification: Uncertain significance. Last evaluated: 2025-06-17. Review status: criteria provided, single submitter. Criteria: Invitae Variant Classification Sherloc (09022015). Collection method: clinical testing. Allele origin: germline.
Comment: This sequence change replaces glutamine, which is neutral and polar, with arginine, which is basic and polar, at codon 418 of the KIF20A protein (p.Gln418Arg). This variant is not present in population databases (gnomAD no frequency). This variant has not been reported in the literature in individuals affected with KIF20A-related conditions. An algorithm developed to predict the effect of missense changes on protein structure and function (PolyPhen-2) suggests that this variant is likely to be disruptive. In summary, the available evidence is currently insufficient to determine the role of this variant in disease. Therefore, it has been classified as a Variant of Uncertain Significance.